The following is an entry in ClinVar:

ClinVar aggregate classification (germline): Uncertain significance. Review status: criteria provided, multiple submitters, no conflicts (2 of 4 stars). 3 submissions from 3 submitters: Uncertain significance (3). Last evaluated 2025-06-16.

Conditions:
Intellectual disability, autosomal recessive 53 (NEDHSCA). Also called: NEURODEVELOPMENTAL DISORDER WITH OR WITHOUT HYPOTONIA, SEIZURES, AND CEREBELLAR ATROPHY; GLYCOSYLPHOSPHATIDYLINOSITOL BIOSYNTHESIS DEFECT 13; Mental retardation, autosomal recessive 53. Identifiers: Orphanet 488635, MedGen C4310794, MONDO:0014832, OMIM 616917.
Inborn genetic diseases. Identifiers: MedGen C0950123, MeSH D030342.

Allele frequency attached by ClinVar (database versions not stated): TOPMed 0.00008; gnomAD 0.00012 and 0.00011; ExAC 0.00005; gnomAD exomes 0.00018 and 0.00005; ESP Exome Variant Server 0.00038.

Submissions (3):

GeneDx
Classification: Uncertain significance. Last evaluated: 2025-06-16. Review status: criteria provided, single submitter. Criteria: GeneDx Variant Classification Process June 2021. Collection method: clinical testing. Allele origin: germline. Affected: yes.
Comment: Not observed at significant frequency in large population cohorts (gnomAD); In silico analysis suggests that this missense variant does not alter protein structure/function; Has not been previously published as pathogenic or benign to our knowledge

Labcorp Genetics (formerly Invitae), Labcorp
Classification: Uncertain significance for Intellectual disability, autosomal recessive 53. Last evaluated: 2021-09-01. Review status: criteria provided, single submitter. Criteria: Invitae Variant Classification Sherloc (09022015). Collection method: clinical testing. Allele origin: germline.
Comment: This sequence change replaces glutamic acid with lysine at codon 650 of the PIGG protein (p.Glu650Lys). The glutamic acid residue is weakly conserved and there is a small physicochemical difference between glutamic acid and lysine. This variant is present in population databases (rs147598047, ExAC 0.02%). This variant has not been reported in the literature in individuals affected with PIGG-related conditions. Algorithms developed to predict the effect of missense changes on protein structure and function output the following: SIFT: "Tolerated"; PolyPhen-2: "Benign"; Align-GVGD: "Class C0". The lysine amino acid residue is found in multiple mammalian species, which suggests that this missense change does not adversely affect protein function. In summary, the available evidence is currently insufficient to determine the role of this variant in disease. Therefore, it has been classified as a Variant of Uncertain Significance.

Ambry Genetics
Classification: Uncertain significance for Inborn genetic diseases. Last evaluated: 2020-11-23. Review status: criteria provided, single submitter. Criteria: Ambry Variant Classification Scheme 2023. Collection method: clinical testing. Allele origin: germline.

NM_001127178.3(PIGG):c.1948G>A (p.Glu650Lys)

Gene: PIGG (phosphatidylinositol glycan anchor biosynthesis class G (EMM blood group); plus strand). Cytogenetic location: 4p16.3.
Variant type: single nucleotide variant.
Coding change: c.1948G>A on transcript NM_001127178.3 (MANE Select); coding-DNA position 1948, G replaced by A.
Protein change: p.Glu650Lys; replaces glutamic acid 650 with lysine.
Molecular consequence: missense variant. On other transcripts: non-coding transcript variant (6).
Genome position (GRCh38, 1-based): chr4:523,792, G>A. VCF-style: chr4-523792-G-A. GRCh37 (hg19) VCF-style: chr4-517581-G-A.
Other names: c.1681G>A, p.Glu561Lys (NM_001289051.2, NM_001345986.2); c.1549G>A, p.Glu517Lys (NM_001289052.2); c.1657G>A, p.Glu553Lys (NM_001345987.2); c.919G>A, p.Glu307Lys (NM_001345988.2); c.415G>A, p.Glu139Lys (NM_001345990.2, NM_001345991.2); c.850G>A, p.Glu284Lys (NM_001345994.2); c.1924G>A, p.Glu642Lys (NM_017733.5); c.1948G>A (NM_001127178.1); short protein forms E307K, E650K, E139K, E284K, E553K, E517K, E561K, E642K.
Identifiers: ClinVar variation 661751 (VCV000661751.9), dbSNP rs147598047, ClinGen allele CA2793492.